The following is an entry in ClinVar:

NM_201596.3(CACNB2):c.859G>C (p.Val287Leu)

Gene: CACNB2 (calcium voltage-gated channel auxiliary subunit beta 2; plus strand). Cytogenetic location: 10p12.31.
Variant type: single nucleotide variant.
Coding change: c.859G>C on transcript NM_201596.3 (MANE Select); coding-DNA position 859, G replaced by C.
Protein change: p.Val287Leu; replaces valine 287 with leucine.
Molecular consequence: missense variant.
Genome position (GRCh38, 1-based): chr10:18,518,390, G>C. VCF-style: chr10-18518390-G-C. GRCh37 (hg19) VCF-style: chr10-18807319-G-C.
Other names: c.694G>C, p.Val232Leu (NM_000724.4); c.661G>C, p.Val221Leu (NM_001167945.2); c.580G>C, p.Val194Leu (NM_001330060.2); c.715G>C, p.Val239Leu (NM_201570.3); c.775G>C, p.Val259Leu (NM_201571.4); c.703G>C, p.Val235Leu (NM_201572.4); c.697G>C, p.Val233Leu (NM_201590.3); c.745G>C, p.Val249Leu (NM_201593.3); and 1 more; short protein forms V194L, V259L, V287L, V221L, V233L, V239L, V232L, V235L.
Identifiers: ClinVar variation 859197 (VCV000859197.11), dbSNP rs1217728234, ClinGen allele CA376061678.

ClinVar aggregate classification (germline): Uncertain significance. Review status: criteria provided, multiple submitters, no conflicts (2 of 4 stars). 2 submissions from 2 submitters: Uncertain significance (2). Last evaluated 2025-09-03.

Conditions:
Cardiovascular phenotype. Identifiers: MedGen CN230736.
Brugada syndrome 4 (BRGDA4). Identifiers: Orphanet 130, MedGen C2678477, MONDO:0012743, OMIM 611876.

Allele frequency attached by ClinVar (database versions not stated): gnomAD exomes below 0.00001.
gnomAD v4.1: 2 of 1,613,200 alleles (0.00012%); highest among the groups gnomAD compares: Non-Finnish European, 0.00017%; no homozygotes.

Submissions (2):

Labcorp Genetics (formerly Invitae), Labcorp
Classification: Uncertain significance for Brugada syndrome 4. Last evaluated: 2025-09-03. Review status: criteria provided, single submitter. Criteria: Invitae Variant Classification Sherloc (09022015). Collection method: clinical testing. Allele origin: germline.
Comment: This sequence change replaces valine, which is neutral and non-polar, with leucine, which is neutral and non-polar, at codon 233 of the CACNB2 protein (p.Val233Leu). This variant is present in population databases (no rsID available, gnomAD 0.006%). This variant has not been reported in the literature in individuals affected with CACNB2-related conditions. ClinVar contains an entry for this variant (Variation ID: 859197). Invitae Evidence Modeling of protein sequence and biophysical properties (such as structural, functional, and spatial information, amino acid conservation, physicochemical variation, residue mobility, and thermodynamic stability) indicates that this missense variant is not expected to disrupt CACNB2 protein function with a negative predictive value of 80%. In summary, the available evidence is currently insufficient to determine the role of this variant in disease. Therefore, it has been classified as a Variant of Uncertain Significance.

Ambry Genetics
Classification: Uncertain significance for Cardiovascular phenotype. Last evaluated: 2022-11-15. Review status: criteria provided, single submitter. Criteria: Ambry Variant Classification Scheme 2023. Collection method: clinical testing. Allele origin: germline.
Comment: The p.V233L variant (also known as c.697G>C), located in coding exon 7 of the CACNB2 gene, results from a G to C substitution at nucleotide position 697. The valine at codon 233 is replaced by leucine, an amino acid with highly similar properties. This amino acid position is conserved. In addition, this alteration is predicted to be deleterious by in silico analysis. Since supporting evidence is limited at this time, the clinical significance of this alteration remains unclear.